The following is an entry in ClinVar:

NM_004333.6(BRAF):c.1447A>C (p.Lys483Gln)

Gene: BRAF (B-Raf proto-oncogene, serine/threonine kinase; minus strand). Cytogenetic location: 7q34.
Variant type: single nucleotide variant.
Coding change: c.1447A>C on transcript NM_004333.6 (MANE Select); coding-DNA position 1447, A replaced by C.
Protein change: p.Lys483Gln; replaces lysine 483 with glutamine.
Molecular consequence: missense variant.
Genome position (GRCh38, 1-based): chr7:140,778,061, T>G on the plus strand (A>C on the coding strand, the complement: BRAF is on the minus strand). VCF-style: chr7-140778061-T-G. GRCh37 (hg19) VCF-style: chr7-140477861-T-G.
Other names: c.1447A>C, p.Lys483Gln (NM_001354609.2, NM_001378468.1, NM_001378474.1); c.1567A>C, p.Lys523Gln (NM_001374244.1, NM_001374258.1); c.1456A>C, p.Lys486Gln (NM_001378467.1); c.1381A>C, p.Lys461Gln (NM_001378469.1); c.1345A>C, p.Lys449Gln (NM_001378470.1); c.1336A>C, p.Lys446Gln (NM_001378471.1); c.1291A>C, p.Lys431Gln (NM_001378472.1, NM_001378473.1); c.1183A>C, p.Lys395Gln (NM_001378475.1); short protein forms K483Q, K446Q, K395Q, K431Q, K461Q, K523Q, K449Q, K486Q.
Identifiers: ClinVar variation 40369 (VCV000040369.8), dbSNP rs397507474, ClinGen allele CA280055.

ClinVar aggregate classification (germline): Pathogenic/Likely pathogenic. Review status: criteria provided, multiple submitters, no conflicts (2 of 4 stars). 2 submissions from 2 submitters: Pathogenic (1); Likely pathogenic (1). Last evaluated 2023-11-13.

Conditions:
Cardio-facio-cutaneous syndrome. Also called: Cardiofaciocutaneous syndrome; CFC syndrome. Identifiers: Orphanet 1340, MedGen C1275081, MONDO:0015280. Disease mechanism: gain of function.

Submissions (2):

GeneDx
Classification: Pathogenic. Last evaluated: 2023-11-13. Review status: criteria provided, single submitter. Criteria: GeneDx Variant Classification Process June 2021. Collection method: clinical testing. Allele origin: germline. Affected: yes.
Comment: Not observed at significant frequency in large population cohorts (gnomAD); The majority of missense variants in this gene are considered pathogenic (HGMD); In silico analysis supports that this missense variant has a deleterious effect on protein structure/function; Located within protein kinase domain;ATP binding site (PMID: 19624854); This variant is associated with the following publications: (PMID: 26918529, 19624854, 33839364, 34625582, 29696744)

Laboratory for Molecular Medicine, Mass General Brigham Personalized Medicine
Classification: Likely pathogenic for Cardio-facio-cutaneous syndrome. Last evaluated: 2014-04-02. Review status: criteria provided, single submitter. Criteria: LMM Criteria. Collection method: clinical testing. Allele origin: germline. Inheritance: Autosomal dominant inheritance. Observed: 1 variant allele.
Comment: This variant has not been iden tified in large population studies. Computational analyses (biochemical amino acid properties, conservation, AlignGVGD, PolyPhen2, and SIF T) suggest that the Lys483Gln variant may impact the normal function of the prot ein. In summary, this variant is likely pathogenic, though additional studies ar e required to fully establish its clinical significance.